The following is an entry in ClinVar:

NM_001286423.2(GLB1L):c.1761C>T (p.Tyr587=)

Gene: GLB1L (galactosidase beta 1 like; minus strand). Cytogenetic location: 2q35.
Variant type: single nucleotide variant.
Coding change: c.1761C>T on transcript NM_001286423.2 (MANE Select); coding-DNA position 1761, C replaced by T.
Protein change: p.Tyr587=; no amino-acid change (tyrosine 587 retained).
Molecular consequence: synonymous variant.
Genome position (GRCh38, 1-based): chr2:219,237,276, G>A on the plus strand (C>T on the coding strand, the complement: GLB1L is on the minus strand). VCF-style: chr2-219237276-G-A. GRCh37 (hg19) VCF-style: chr2-220101998-G-A.
Other names: c.1491C>T, p.Tyr497= (NM_001286427.1); c.1761C>T, p.Tyr587= (NM_024506.5).
Identifiers: ClinVar variation 4533561 (VCV004533561.6).

ClinVar aggregate classification (germline): Likely benign (1 of 4 stars; one submission).

gnomAD v4.1: 1,542 of 1,614,128 alleles (0.096%); highest among the groups gnomAD compares: Non-Finnish European, 0.11%; 2 homozygotes.

Submission:

CeGaT Center for Human Genetics Tuebingen
Classification: Likely benign. Last evaluated: 2025-10-01. Review status: criteria provided, single submitter. Criteria: CeGaT Center For Human Genetics Tuebingen Variant Classification Criteria Version 2. Collection method: clinical testing. Allele origin: germline. Affected: yes. Observed: 1 variant allele.
Comment: GLB1L: BP4, BP7